The following is an entry in ClinVar:

NM_000037.4(ANK1):c.3950C>G (p.Ser1317Ter)

Gene: ANK1 (ankyrin 1; minus strand). Cytogenetic location: 8p11.21.
Variant type: single nucleotide variant.
Coding change: c.3950C>G on transcript NM_000037.4 (MANE Select); coding-DNA position 3950, C replaced by G.
Protein change: p.Ser1317Ter; replaces serine 1317 with a stop codon.
Molecular consequence: nonsense.
Genome position (GRCh38, 1-based): chr8:41,690,508, G>C on the plus strand (C>G on the coding strand, the complement: ANK1 is on the minus strand). VCF-style: chr8-41690508-G-C. GRCh37 (hg19) VCF-style: chr8-41548026-G-C.
Other names: c.4073C>G, p.Ser1358Ter (NM_001142446.2); c.3950C>G, p.Ser1317Ter (NM_020475.3, NM_020476.3, NM_020477.3); short protein forms S1317*, S1358*.
Identifiers: ClinVar variation 4081143 (VCV004081143.2).
Genomic context (GRCh38, chr8:41,690,508, plus strand): 5'-AGAACTCAGCCAGAGGGTGCCGGCACCTTTACAGGCATGGCCAGACGGTTCTCCCGAAAT[G>C]ACTGGAAGTGGAAGCTCCGCTGCTGGGCAGCTTTCTTCACAGGCACCAGGTTCCCAGAGA-3'

ClinVar aggregate classification (germline): Pathogenic/Likely pathogenic. Review status: criteria provided, multiple submitters, no conflicts (2 of 4 stars). 2 submissions from 2 submitters: Pathogenic (1); Likely pathogenic (1). Last evaluated 2025-04-30.

Conditions:
Hereditary spherocytosis type 1. Also called: Spherocytosis type 1; ANK1-Related Spherocytosis. Identifiers: Orphanet 822, MedGen C2674218, MONDO:0008447, OMIM 182900.

Submissions (2):

Labcorp Genetics (formerly Invitae), Labcorp
Classification: Pathogenic. Last evaluated: 2025-04-30. Review status: criteria provided, single submitter. Criteria: Invitae Variant Classification Sherloc (09022015). Collection method: clinical testing. Allele origin: germline.
Comment: This sequence change creates a premature translational stop signal (p.Ser1317*) in the ANK1 gene. It is expected to result in an absent or disrupted protein product. Loss-of-function variants in ANK1 are known to be pathogenic (PMID: 8640229). This variant is not present in population databases (gnomAD no frequency). This variant has not been reported in the literature in individuals affected with ANK1-related conditions. For these reasons, this variant has been classified as Pathogenic.

Revvity Omics, Revvity
Classification: Likely pathogenic for Hereditary spherocytosis type 1. Last evaluated: 2024-09-21. Review status: criteria provided, single submitter. Criteria: ACMG Guidelines, 2015. Collection method: clinical testing. Allele origin: germline.

Literature cited by the submitters: PubMed 8640229 (cited by Labcorp Genetics (formerly Invitae), Labcorp).